The following is an entry in ClinVar:

NM_000553.6(WRN):c.2449-9T>C

Gene: WRN (WRN RecQ like helicase; plus strand). Cytogenetic location: 8p12.
Variant type: single nucleotide variant.
Coding change: c.2449-9T>C on transcript NM_000553.6 (MANE Select); 9 bases into the intron before coding-DNA position 2449, T replaced by C.
Molecular consequence: intron variant.
Genome position (GRCh38, 1-based): chr8:31,120,234, T>C. VCF-style: chr8-31120234-T-C. GRCh37 (hg19) VCF-style: chr8-30977750-T-C.
Identifiers: ClinVar variation 3013294 (VCV003013294.3), dbSNP rs2535986131, ClinGen allele CA2740094982.
Genomic context (GRCh38, chr8:31,120,234, plus strand): 5'-AAAGGTATAAATGTAAGGTTTTCATTCTGCTAAATATGTTTGTCAAACTGTGTTGTGATT[T>C]GTTCTCAGTGTGTCATAGCTACCATAGCTTTTGGAATGGGCATTAATAAAGCTGACATTC-3'

ClinVar aggregate classification (germline): Uncertain significance (1 of 4 stars; one submission).

Conditions:
Werner syndrome (WRN). Identifiers: Orphanet 902, MedGen C0043119, MONDO:0010196, OMIM 277700.

Submission:

Labcorp Genetics (formerly Invitae), Labcorp
Classification: Uncertain significance for Werner syndrome. Last evaluated: 2022-11-10. Review status: criteria provided, single submitter. Criteria: Invitae Variant Classification Sherloc (09022015). Collection method: clinical testing. Allele origin: germline.
Comment: This sequence change falls in intron 20 of the WRN gene. It does not directly change the encoded amino acid sequence of the WRN protein. This variant is not present in population databases (gnomAD no frequency). This variant has not been reported in the literature in individuals affected with WRN-related conditions. Algorithms developed to predict the effect of sequence changes on RNA splicing suggest that this variant may disrupt the consensus splice site. In summary, the available evidence is currently insufficient to determine the role of this variant in disease. Therefore, it has been classified as a Variant of Uncertain Significance.